The following is an entry in ClinVar:

ClinVar aggregate classification (germline): Benign/Likely benign. Review status: criteria provided, multiple submitters, no conflicts (2 of 4 stars). 2 submissions from 2 submitters: Benign (1); Likely benign (1). Last evaluated 2025-04-14.

Conditions:
Aortic aneurysm, familial thoracic 8 (AAT8). Identifiers: MedGen C3809513, MONDO:0014187, OMIM 615436.

Submissions (2):

Labcorp Genetics (formerly Invitae), Labcorp
Classification: Benign for Aortic aneurysm, familial thoracic 8. Last evaluated: 2025-04-14. Review status: criteria provided, single submitter. Criteria: Invitae Variant Classification Sherloc (09022015). Collection method: clinical testing. Allele origin: germline.

GeneDx
Classification: Likely benign. Last evaluated: 2017-08-22. Review status: criteria provided, single submitter. Criteria: GeneDx Variant Classification (06012015). Collection method: clinical testing. Allele origin: germline. Affected: yes.
Comment: This variant is considered likely benign or benign based on one or more of the following criteria: it is a conservative change, it occurs at a poorly conserved position in the protein, it is predicted to be benign by multiple in silico algorithms, and/or has population frequency not consistent with disease.

NM_006258.4(PRKG1):c.1896-11del

Gene: PRKG1 (protein kinase cGMP-dependent 1; plus strand). Cytogenetic location: 10q21.1.
Variant type: Deletion.
Coding change: c.1896-11del on transcript NM_006258.4 (MANE Select); 11 bases into the intron before coding-DNA position 1896, one base deleted (T; older notation c.1896-11delT).
Molecular consequence: intron variant.
Genome position (GRCh38, 1-based): chr10:52,290,213, T deleted; the last of 6 consecutive T bases (chr10:52,290,208-52,290,213); deleting any one gives the same sequence. VCF-style (leftmost placement, unchanged base first): chr10-52290207-GT-G. GRCh37 (hg19) VCF-style: chr10-54049967-GT-G.
Other names: c.1896-11delT (NM_006258.3); c.1851-11del (NM_001098512.3).
Identifiers: ClinVar variation 511608 (VCV000511608.4), dbSNP rs756748643, ClinGen allele CA469503919.